The following is an entry in ClinVar:

NM_000264.5(PTCH1):c.682A>C (p.Ile228Leu)

Gene: PTCH1 (patched 1; minus strand). Cytogenetic location: 9q22.32.
Variant type: single nucleotide variant.
Coding change: c.682A>C on transcript NM_000264.5 (MANE Select); coding-DNA position 682, A replaced by C.
Protein change: p.Ile228Leu; replaces isoleucine 228 with leucine.
Molecular consequence: missense variant. On other transcripts: non-coding transcript variant (1).
Genome position (GRCh38, 1-based): chr9:95,482,013, T>G on the plus strand (A>C on the coding strand, the complement: PTCH1 is on the minus strand). VCF-style: chr9-95482013-T-G. GRCh37 (hg19) VCF-style: chr9-98244295-T-G.
Other names: c.484A>C, p.Ile162Leu (NM_001083602.3, NM_001354919.2); c.679A>C, p.Ile227Leu (NM_001083603.3); c.229A>C, p.Ile77Leu (NM_001083604.3, NM_001083605.3, NM_001083606.3 and 1 more transcripts); c.682A>C, p.Ile228Leu (NM_001354918.2); c.682A>C (NM_000264.3); short protein forms I227L, I77L, I162L, I228L.
Identifiers: ClinVar variation 1450837 (VCV001450837.11), dbSNP rs2118465097, ClinGen allele CA374114932.
Genomic context (GRCh38, chr9:95,482,013, plus strand): 5'-GGTATGCTGTCCCAGACTGTAATTTCGCCCCTTCCCAGAAGCAGTCCAAAGGTGTAATAA[T>G]CAAACAAGGGTAAAGATATTCTATTATCTGTCAAAGTTAAAAAGAAGAGGCCATGCGTTA-3'
Protein context (NP_000255.2, residues 218-238): QIIEYLYPCL[Ile228Leu]ITPLDCFWEG

ClinVar aggregate classification (germline): Uncertain significance. Review status: criteria provided, multiple submitters, no conflicts (2 of 4 stars). 2 submissions from 2 submitters: Uncertain significance (2). Last evaluated 2026-02-23.

Conditions:
Hereditary cancer-predisposing syndrome. Also called: Neoplastic Syndromes, Hereditary; Tumor predisposition; Hereditary Cancer Syndrome; Hereditary neoplastic syndrome. Identifiers: Orphanet 140162, MedGen C0027672, MeSH D009386, MONDO:0015356.
Gorlin syndrome. Also called: Basal cell nevus syndrome; Nevoid Basal Cell Carcinoma Syndrome. Identifiers: Orphanet 377, MedGen C0004779, MONDO:0007187.

Allele frequency attached by ClinVar (database versions not stated): gnomAD exomes below 0.00001.

Submissions (2):

Ambry Genetics
Classification: Uncertain significance for Hereditary cancer-predisposing syndrome. Last evaluated: 2026-02-23. Review status: criteria provided, single submitter. Criteria: Ambry Variant Classification Scheme 2023. Collection method: clinical testing. Allele origin: germline.
Comment: The p.I228L variant (also known as c.682A>C), located in coding exon 5 of the PTCH1 gene, results from an A to C substitution at nucleotide position 682. The isoleucine at codon 228 is replaced by leucine, an amino acid with highly similar properties. This amino acid position is conserved. In addition, the in silico prediction for this alteration is inconclusive. Based on the available evidence, the clinical significance of this variant remains unclear.

Labcorp Genetics (formerly Invitae), Labcorp
Classification: Uncertain significance for Gorlin syndrome. Last evaluated: 2022-03-25. Review status: criteria provided, single submitter. Criteria: Invitae Variant Classification Sherloc (09022015). Collection method: clinical testing. Allele origin: germline.
Comment: In summary, the available evidence is currently insufficient to determine the role of this variant in disease. Therefore, it has been classified as a Variant of Uncertain Significance. Advanced modeling of protein sequence and biophysical properties (such as structural, functional, and spatial information, amino acid conservation, physicochemical variation, residue mobility, and thermodynamic stability) performed at Invitae indicates that this missense variant is not expected to disrupt PTCH1 protein function. This variant has not been reported in the literature in individuals affected with PTCH1-related conditions. This variant is not present in population databases (gnomAD no frequency). This sequence change replaces isoleucine, which is neutral and non-polar, with leucine, which is neutral and non-polar, at codon 228 of the PTCH1 protein (p.Ile228Leu).